The following is an entry in ClinVar:

ClinVar aggregate classification (germline): Pathogenic. Review status: criteria provided, single submitter (1 of 4 stars). 2 submissions from 2 submitters: Pathogenic (1). 1 of the submissions does not count toward it. Last evaluated 2024-02-07.

Conditions:
Vitreoretinopathy with phalangeal epiphyseal dysplasia (VPED). Identifiers: MedGen C1852989, MONDO:0031001, OMIM 619248.

Submissions (2):

Labcorp Genetics (formerly Invitae), Labcorp
Classification: Pathogenic. Last evaluated: 2024-02-07. Review status: criteria provided, single submitter. Criteria: Invitae Variant Classification Sherloc (09022015). Collection method: clinical testing. Allele origin: germline.
Comment: This sequence change replaces glycine, which is neutral and non-polar, with aspartic acid, which is acidic and polar, at codon 1305 of the COL2A1 protein (p.Gly1305Asp). This variant is not present in population databases (gnomAD no frequency). This missense change has been observed in individual(s) with vitreoretinopathy with phalangeal epiphyseal dysplasia (PMID: 12205109). It has also been observed to segregate with disease in related individuals. This variant is also known as G1105D. ClinVar contains an entry for this variant (Variation ID: 17387). Advanced modeling of protein sequence and biophysical properties (such as structural, functional, and spatial information, amino acid conservation, physicochemical variation, residue mobility, and thermodynamic stability) performed at Invitae indicates that this missense variant is expected to disrupt COL2A1 protein function with a positive predictive value of 95%. This variant disrupts the p.Gly1305 amino acid residue in COL2A1. Other variant(s) that disrupt this residue have been determined to be pathogenic (Invitae). This suggests that this residue is clinically significant, and that variants that disrupt this residue are likely to be disease-causing. For these reasons, this variant has been classified as Pathogenic.

OMIM
Classification: Pathogenic for VITREORETINOPATHY WITH PHALANGEAL EPIPHYSEAL DYSPLASIA (1 family). Last evaluated: 2002-09-01. Review status: no assertion criteria provided. Collection method: literature only. Allele origin: germline. Not counted in ClinVar's aggregate classification.

Literature cited by the submitters: PubMed 12205109 (cited by Labcorp Genetics (formerly Invitae), Labcorp and OMIM).

NM_001844.5(COL2A1):c.3914G>A (p.Gly1305Asp)

Gene: COL2A1 (collagen type II alpha 1 chain; minus strand). Cytogenetic location: 12q13.11.
Variant type: single nucleotide variant.
Coding change: c.3914G>A on transcript NM_001844.5 (MANE Select); coding-DNA position 3914, G replaced by A.
Protein change: p.Gly1305Asp; replaces glycine 1305 with aspartic acid.
Molecular consequence: missense variant.
Genome position (GRCh38, 1-based): chr12:47,974,835, C>T on the plus strand (G>A on the coding strand, the complement: COL2A1 is on the minus strand). VCF-style: chr12-47974835-C-T. GRCh37 (hg19) VCF-style: chr12-48368618-C-T.
Other names: G1105D; c.3707G>A, p.Gly1236Asp (NM_033150.3); short protein forms G1236D, G1305D.
Identifiers: ClinVar variation 17387 (VCV000017387.9), dbSNP rs121912887, ClinGen allele CA127167.